The following is an entry in ClinVar:

ClinVar aggregate classification (germline): Likely benign. Review status: criteria provided, multiple submitters, no conflicts (2 of 4 stars). 5 submissions from 5 submitters: Likely benign (4). 1 of the submissions does not count toward it. Last evaluated 2023-12-18.

Conditions:
Hereditary cancer-predisposing syndrome. Also called: Tumor predisposition; Neoplastic Syndromes, Hereditary; Hereditary neoplastic syndrome; Hereditary Cancer Syndrome. Identifiers: Orphanet 140162, MedGen C0027672, MeSH D009386, MONDO:0015356.
Hereditary breast ovarian cancer syndrome. Also called: Hereditary breast and ovarian cancer; Hereditary breast and ovarian cancer syndrome (HBOC); Breast and ovarian cancer; Hereditary breast and ovarian cancer syndrome; BRCA1- and BRCA2-Associated Hereditary Breast and Ovarian Cancer; Hereditary breast and/or ovarian cancer syndrome. Identifiers: Orphanet 145, MedGen C0677776, MeSH D061325, MONDO:0003582. Disease mechanism: loss of function.
BRCA1-related disorder. Also called: BRCA1-related condition.

Submissions (5):

Labcorp Genetics (formerly Invitae), Labcorp
Classification: Likely benign for Hereditary breast ovarian cancer syndrome. Last evaluated: 2023-12-18. Review status: criteria provided, single submitter. Criteria: Invitae Variant Classification Sherloc (09022015). Collection method: clinical testing. Allele origin: germline.

Sema4
Classification: Likely benign for Hereditary cancer-predisposing syndrome. Last evaluated: 2022-02-19. Review status: criteria provided, single submitter. Criteria: Sema4 Curation Guidelines. Collection method: curation. Allele origin: germline.

Ambry Genetics
Classification: Likely benign for Hereditary cancer-predisposing syndrome. Last evaluated: 2020-01-02. Review status: criteria provided, single submitter. Criteria: Ambry Variant Classification Scheme 2023. Collection method: clinical testing. Allele origin: germline.

Color Diagnostics, LLC DBA Color Health
Classification: Likely benign for Hereditary cancer-predisposing syndrome. Last evaluated: 2017-11-30. Review status: criteria provided, single submitter. Criteria: ACMG Guidelines, 2015. Collection method: clinical testing. Allele origin: germline.

PreventionGenetics, part of Exact Sciences
Classification: Likely benign for BRCA1-related condition. Last evaluated: 2022-09-23. Review status: no assertion criteria provided. Collection method: clinical testing. Allele origin: germline. Not counted in ClinVar's aggregate classification.
Comment: This variant is classified as likely benign based on ACMG/AMP sequence variant interpretation guidelines (Richards et al. 2015 PMID: 25741868, with internal and published modifications).

NM_007294.4(BRCA1):c.2931A>C (p.Pro977=)

Gene: BRCA1 (BRCA1 DNA repair associated; minus strand). Cytogenetic location: 17q21.31.
Variant type: single nucleotide variant.
Coding change: c.2931A>C on transcript NM_007294.4 (MANE Select); coding-DNA position 2931, A replaced by C.
Protein change: p.Pro977=; no amino-acid change (proline 977 retained).
Molecular consequence: synonymous variant. On other transcripts: intron variant (137).
Genome position (GRCh38, 1-based): chr17:43,092,600, T>G on the plus strand (A>C on the coding strand, the complement: BRCA1 is on the minus strand). VCF-style: chr17-43092600-T-G. GRCh37 (hg19) VCF-style: chr17-41244617-T-G.
Other names: c.2931A>C, p.Pro977= (NM_001407585.1, NM_001407593.1, NM_001407594.1 and 30 more transcripts); c.2928A>C, p.Pro976= (NM_001407587.1, NM_001407590.1, NM_001407591.1 and 22 more transcripts); c.2922A>C, p.Pro974= (NM_001407646.1, NM_001407647.1); c.2808A>C, p.Pro936= (NM_001407648.1, NM_001407664.1, NM_001407665.1 and 19 more transcripts); c.2805A>C, p.Pro935= (NM_001407649.1, NM_001407670.1, NM_001407671.1 and 11 more transcripts); c.2853A>C, p.Pro951= (NM_001407653.1, NM_001407654.1, NM_001407655.1 and 4 more transcripts); c.2850A>C, p.Pro950= (NM_001407659.1, NM_001407660.1, NM_001407661.1 and 1 more transcripts); c.2790A>C, p.Pro930= (NM_001407692.1, NM_001407694.1, NM_001407695.1 and 29 more transcripts); and 41 more.
Identifiers: ClinVar variation 630914 (VCV000630914.15), dbSNP rs273899691, ClinGen allele CA500232523.